The following is an entry in ClinVar:

ClinVar aggregate classification (germline): Uncertain significance (1 of 4 stars; one submission).

Conditions:
SPTB-related disorder. Also called: SPTB-related condition; SPTB-Related Disorders.

Allele frequency attached by ClinVar (database versions not stated): gnomAD 0.00001; gnomAD exomes 0.00001; TOPMed 0.00002.
gnomAD v4.1: 14 of 1,613,704 alleles (0.00087%); highest among the groups gnomAD compares: East Asian, 0.0022%; no homozygotes.

Submission:

PreventionGenetics, part of Exact Sciences
Classification: Uncertain significance for SPTB-related condition. Last evaluated: 2023-06-30. Review status: criteria provided, single submitter. Criteria: ACMG Guidelines, 2015. Collection method: clinical testing. Allele origin: germline.
Comment: The SPTB c.5986G>A variant is predicted to result in the amino acid substitution p.Glu1996Lys. To our knowledge, this variant has not been reported in the literature or in a large population database, indicating this variant is rare. At this time, the clinical significance of this variant is uncertain due to the absence of conclusive functional and genetic evidence.

NM_001355436.2(SPTB):c.5986G>A (p.Glu1996Lys)

Gene: SPTB (spectrin beta, erythrocytic; minus strand). Cytogenetic location: 14q23.3.
Variant type: single nucleotide variant.
Coding change: c.5986G>A on transcript NM_001355436.2 (MANE Select); coding-DNA position 5986, G replaced by A.
Protein change: p.Glu1996Lys; replaces glutamic acid 1996 with lysine.
Molecular consequence: missense variant.
Genome position (GRCh38, 1-based): chr14:64,769,070, C>T on the plus strand (G>A on the coding strand, the complement: SPTB is on the minus strand). VCF-style: chr14-64769070-C-T. GRCh37 (hg19) VCF-style: chr14-65235788-C-T.
Other names: c.5986G>A, p.Glu1996Lys (NM_001024858.4, NM_001355437.2); short protein forms E1996K.
Identifiers: ClinVar variation 2628845 (VCV002628845.1), dbSNP rs1220872610, ClinGen allele CA390039688.